The following is an entry in ClinVar:

NM_014425.5(INVS):c.986C>A (p.Ala329Glu)

Gene: INVS (inversin; plus strand). Cytogenetic location: 9q31.1.
Variant type: single nucleotide variant.
Coding change: c.986C>A on transcript NM_014425.5 (MANE Select); coding-DNA position 986, C replaced by A.
Protein change: p.Ala329Glu; replaces alanine 329 with glutamic acid.
Molecular consequence: missense variant. On other transcripts: non-coding transcript variant (1).
Genome position (GRCh38, 1-based): chr9:100,246,695, C>A. VCF-style: chr9-100246695-C-A. GRCh37 (hg19) VCF-style: chr9-103008977-C-A.
Other names: c.698C>A, p.Ala233Glu (NM_001318381.2); c.8C>A, p.Ala3Glu (NM_001318382.2); short protein forms A329E, A233E, A3E.
Identifiers: ClinVar variation 1525342 (VCV001525342.6), dbSNP rs1202806202, ClinGen allele CA374363754.

ClinVar aggregate classification (germline): Uncertain significance (1 of 4 stars; one submission).

Conditions:
Nephronophthisis. Also called: Juvenile Nephronophthisis. Identifiers: Orphanet 655, MedGen C0687120, MONDO:0019005, HP:0000090.

Allele frequency attached by ClinVar (database versions not stated): gnomAD exomes below 0.00001.
gnomAD v4.1: 1 of 1,613,586 alleles (0.000062%); highest among the groups gnomAD compares: Non-Finnish European, 0.000085%; no homozygotes.

Submission:

Labcorp Genetics (formerly Invitae), Labcorp
Classification: Uncertain significance for Nephronophthisis. Last evaluated: 2021-08-08. Review status: criteria provided, single submitter. Criteria: Invitae Variant Classification Sherloc (09022015). Collection method: clinical testing. Allele origin: germline.
Comment: This variant is not present in population databases (ExAC no frequency). This sequence change replaces alanine with glutamic acid at codon 329 of the INVS protein (p.Ala329Glu). The alanine residue is highly conserved and there is a moderate physicochemical difference between alanine and glutamic acid. This variant has not been reported in the literature in individuals affected with INVS-related conditions. In summary, the available evidence is currently insufficient to determine the role of this variant in disease. Therefore, it has been classified as a Variant of Uncertain Significance. Algorithms developed to predict the effect of missense changes on protein structure and function (SIFT, PolyPhen-2, Align-GVGD) all suggest that this variant is likely to be disruptive.